The following is an entry in ClinVar:

ClinVar aggregate classification (germline): Benign. Review status: criteria provided, multiple submitters, no conflicts (2 of 4 stars). 3 submissions from 3 submitters: Benign (2). 1 of the submissions does not count toward it. Last evaluated 2026-01-25.

Conditions:
BTRC-related disorder. Also called: BTRC-related condition.

Allele frequency attached by ClinVar (database versions not stated): gnomAD exomes 0.00064 and 0.00165; ExAC 0.00207; gnomAD 0.00693 and 0.00742; 1000 Genomes Project 0.00699; 1000 Genomes Project 30x 0.00734; TOPMed 0.00793; ESP Exome Variant Server 0.00800.
gnomAD v4.1: 2,032 of 1,614,156 alleles (0.13%); highest among the groups gnomAD compares: African/African-American, 2.4%; 21 homozygotes.

Submissions (3):

Labcorp Genetics (formerly Invitae), Labcorp
Classification: Benign. Last evaluated: 2026-01-25. Review status: criteria provided, single submitter. Criteria: Invitae Variant Classification Sherloc (09022015). Collection method: clinical testing. Allele origin: germline.

Breakthrough Genomics
Classification: Benign. Review status: criteria provided, single submitter. Criteria: ACMG Guidelines, 2015. Collection method: not provided. Allele origin: germline. Inheritance: Unknown mechanism. Affected: yes.

PreventionGenetics, part of Exact Sciences
Classification: Benign for BTRC-related condition. Last evaluated: 2019-03-12. Review status: no assertion criteria provided. Collection method: clinical testing. Allele origin: germline. Not counted in ClinVar's aggregate classification.
Comment: This variant is classified as benign based on ACMG/AMP sequence variant interpretation guidelines (Richards et al. 2015 PMID: 25741868, with internal and published modifications).

NM_033637.4(BTRC):c.1240A>G (p.Thr414Ala)

Gene: BTRC (beta-transducin repeat containing E3 ubiquitin protein ligase; plus strand). Cytogenetic location: 10q24.32.
Variant type: single nucleotide variant.
Coding change: c.1240A>G on transcript NM_033637.4 (MANE Select); coding-DNA position 1240, A replaced by G.
Protein change: p.Thr414Ala; replaces threonine 414 with alanine.
Molecular consequence: missense variant.
Genome position (GRCh38, 1-based): chr10:101,534,803, A>G. VCF-style: chr10-101534803-A-G. GRCh37 (hg19) VCF-style: chr10-103294560-A-G.
Other names: c.1162A>G, p.Thr388Ala (NM_001256856.2); c.1132A>G, p.Thr378Ala (NM_003939.5); short protein forms T388A, T378A, T414A.
Identifiers: ClinVar variation 708808 (VCV000708808.12), dbSNP rs141008374, ClinGen allele CA5656146.